The following is an entry in ClinVar:

ClinVar aggregate classification (germline): Benign (1 of 4 stars; one submission).

Conditions:
Loeys-Dietz syndrome 2 (LDS2). Also called: TGFBR2-Related Loeys-Dietz Syndrome; AORTIC ANEURYSM, FAMILIAL THORACIC 3; MARFAN SYNDROME, TYPE II; Marfan Syndrome type 2; Marfan like connective tissue disorder; MFS 2. Identifiers: Orphanet 284973, Orphanet 558, MedGen C2674574, MONDO:0012427, OMIM 610168.

Allele frequency attached by ClinVar (database versions not stated): gnomAD 0.07275 and 0.06977; TOPMed 0.07859; 1000 Genomes Project 0.08686; 1000 Genomes Project 30x 0.09166; gnomAD exomes 0.01748.
gnomAD v4.1: 12,010 of 233,690 alleles (5.1%); highest among the groups gnomAD compares: African/African-American, 23%; 1,240 homozygotes.

Submission:

Illumina Laboratory Services, Illumina
Classification: Benign for Loeys-Dietz syndrome 2. Last evaluated: 2018-01-13. Review status: criteria provided, single submitter. Criteria: ICSL Variant Classification Criteria 13 December 2019. Collection method: clinical testing. Allele origin: germline.
Comment: This variant was observed in the ICSL laboratory as part of a predisposition screen in an ostensibly healthy population. It had not been previously curated by ICSL or reported in the Human Gene Mutation Database (HGMD: prior to June 1st, 2018), and was therefore a candidate for classification through an automated scoring system. Utilizing variant allele frequency, disease prevalence and penetrance estimates, and inheritance mode, an automated score was calculated to assess if this variant is too frequent to cause the disease. Based on the score and internal cut-off values, a variant classified as benign is not then subjected to further curation. The score for this variant resulted in a classification of benign for this disease.

NM_003242.6(TGFBR2):c.*1809A>G

Gene: TGFBR2 (transforming growth factor beta receptor 2; plus strand). Cytogenetic location: 3p24.1.
Variant type: single nucleotide variant.
Coding change: c.*1809A>G on transcript NM_003242.6 (MANE Select); 1809 bases downstream of the stop codon, A replaced by G.
Molecular consequence: 3 prime UTR variant.
Genome position (GRCh38, 1-based): chr3:30,693,408, A>G. VCF-style: chr3-30693408-A-G. GRCh37 (hg19) VCF-style: chr3-30734900-A-G.
Other names: c.*1809A>G (NM_001024847.3, NM_001407126.1, NM_001407127.1 and 11 more transcripts).
Identifiers: ClinVar variation 344701 (VCV000344701.7), dbSNP rs6550008, ClinGen allele CA10616083.